The following is an entry in ClinVar:

NM_000784.4(CYP27A1):c.1180_1181del (p.Leu394fs)

Gene: CYP27A1 (cytochrome P450 family 27 subfamily A member 1; plus strand). Cytogenetic location: 2q35.
Variant type: Microsatellite.
Coding change: c.1180_1181del on transcript NM_000784.4 (MANE Select); coding-DNA positions 1180 to 1181, 2 bases deleted (CT; older notation c.1180_1181delCT).
Protein change: p.Leu394fs; shifts the reading frame from leucine 394.
Molecular consequence: frameshift variant.
Genome position (GRCh38, 1-based): chr2:218,814,183-218,814,184, CT deleted; deleting any 2 consecutive bases within chr2:218,814,181-218,814,184 gives the same sequence; the c. name uses the placement nearest the transcript's 3' end. VCF-style (leftmost placement, unchanged base first): chr2-218814180-ACT-A. GRCh37 (hg19) VCF-style: chr2-219678903-ACT-A.
Other names: c.1180_1181del (NM_000784.3); short protein forms L394fs.
Identifiers: ClinVar variation 558186 (VCV000558186.20), dbSNP rs1178393503, ClinGen allele CA539840566.
Genomic context (GRCh38, chr2:218,814,180, plus strand): 5'-CAAGTGCCCCAGCACAAGGACTTTGCCCACATGCCGTTGCTCAAAGCTGTGCTTAAGGAG[ACT>A]CTGCGGTAGGACAGAATGCTGTTCTGGGGGGCACAGGATCTCTTTGTGGGGAGGGAATCA-3'

ClinVar aggregate classification (germline): Pathogenic/Likely pathogenic. Review status: criteria provided, multiple submitters, no conflicts (2 of 4 stars). 5 submissions from 5 submitters: Pathogenic (3); Likely pathogenic (1). 1 of the submissions does not count toward it. Last evaluated 2025-09-27.

Conditions:
CYP27A1-related disorder. Also called: CYP27A1-related condition.
Cholestanol storage disease (CTX). Also called: CTX: Cerebrotendinous xanthomatosis; Cerebrotendinous Xanthomatosis; CEREBRAL CHOLESTERINOSIS. Identifiers: Orphanet 909, MedGen C0238052, MONDO:0008948, OMIM 213700.

Submissions (5):

Labcorp Genetics (formerly Invitae), Labcorp
Classification: Pathogenic for Cholestanol storage disease. Last evaluated: 2025-09-27. Review status: criteria provided, single submitter. Criteria: Invitae Variant Classification Sherloc (09022015). Collection method: clinical testing. Allele origin: germline.
Comment: This sequence change creates a premature translational stop signal (p.Leu394Alafs*18) in the CYP27A1 gene. It is expected to result in an absent or disrupted protein product. Loss-of-function variants in CYP27A1 are known to be pathogenic (PMID: 9392430, 10775536, 26937392). This variant is present in population databases (no rsID available, gnomAD 0.0009%). This premature translational stop signal has been observed in individual(s) with cerebrotendinous xanthomatosis (PMID: 11181744). This variant is also known as Ex6Δ2bp. ClinVar contains an entry for this variant (Variation ID: 558186). For these reasons, this variant has been classified as Pathogenic.

PreventionGenetics, part of Exact Sciences
Classification: Pathogenic for CYP27A1-related condition. Last evaluated: 2025-01-23. Review status: criteria provided, single submitter. Criteria: ACMG Guidelines, 2015. Collection method: clinical testing. Allele origin: germline.
Comment: The CYP27A1 c.1180_1181delCT variant is predicted to result in a frameshift and premature protein termination (p.Leu394Alafs*18). This variant was reported in an individual with cerebrotendinous xanthomatosis (Lee et al. 2001. PubMed ID: 11181744, Figure 4). This variant is reported in 0.00088% of alleles in individuals of European (Non-Finnish) descent in gnomAD. Frameshift variants in CYP27A1 are expected to be pathogenic. This variant is interpreted as pathogenic.

Natera, Inc.
Classification: Pathogenic for Cerebrotendinous xanthomatosis. Last evaluated: 2024-03-05. Review status: criteria provided, single submitter. Criteria: Natera Variant Classification Schema (03/2026). Collection method: clinical testing. Allele origin: germline.
Comment: The c.1180_1181delCT variant in CYP27A1 is a frameshift variant predicted to shift the reading frame beginning at codon 394 and leads to a stop codon 18 codons downstream. This variant is expected to result in nonsense mediated decay, truncation, or a dysfunctional protein product. This variant is rare in the general population with a frequency below the threshold expected for the associated phenotype(s). This variant has been observed in one or more individuals affected with the associated recessive disease, as either homozygous or compound heterozygous with a second variant (PMID: 31536098). Given the available evidence, this variant is classified as Pathogenic.

Fulgent Genetics
Classification: Likely pathogenic for Cholestanol storage disease. Last evaluated: 2024-03-02. Review status: criteria provided, single submitter. Criteria: ACMG Guidelines, 2015. Collection method: clinical testing. Allele origin: germline.

Counsyl
Classification: Likely pathogenic for Cholestanol storage disease. Last evaluated: 2018-05-03. Review status: no assertion criteria provided. Collection method: clinical testing. Allele origin: unknown. Not counted in ClinVar's aggregate classification.

Literature cited by the submitters: PubMed 9392430 (cited by Labcorp Genetics (formerly Invitae), Labcorp); PubMed 10775536 (cited by Labcorp Genetics (formerly Invitae), Labcorp); PubMed 26937392 (cited by Labcorp Genetics (formerly Invitae), Labcorp); PubMed 11181744 (cited by Labcorp Genetics (formerly Invitae), Labcorp and Counsyl); PubMed 31536098 (cited by Natera, Inc.).